The following is an entry in ClinVar:

ClinVar aggregate classification (germline): Uncertain significance (1 of 4 stars; one submission).

Conditions:
Adenylosuccinate lyase deficiency (ADSLD). Also called: ADSL DEFICIENCY. Identifiers: Orphanet 46, MedGen C0268126, MONDO:0007068, OMIM 103050.

Allele frequency attached by ClinVar (database versions not stated): gnomAD 0.00027.

Submission:

Labcorp Genetics (formerly Invitae), Labcorp
Classification: Uncertain significance for Adenylosuccinate lyase deficiency. Last evaluated: 2022-04-07. Review status: criteria provided, single submitter. Criteria: Invitae Variant Classification Sherloc (09022015). Collection method: clinical testing. Allele origin: germline.
Comment: This variant occurs in a non-coding region of the ADSL gene. It does not change the encoded amino acid sequence of the ADSL protein. The frequency data for this variant in the population databases is considered unreliable, as metrics indicate poor data quality at this position in the gnomAD database. This variant has not been reported in the literature in individuals affected with ADSL-related conditions. Experimental studies and prediction algorithms are not available or were not evaluated, and the functional significance of this variant is currently unknown. In summary, the available evidence is currently insufficient to determine the role of this variant in disease. Therefore, it has been classified as a Variant of Uncertain Significance.

NC_000022.11:g.40346117_40346119del

Gene: ADSL (adenylosuccinate lyase; plus strand). Cytogenetic location: 22q13.1.
Variant type: Deletion.
Genome position: GRCh38 VCF-style: chr22-40346116-CCTT-C. GRCh37 (hg19) VCF-style: chr22-40742120-CCTT-C.
Identifiers: ClinVar variation 1989234 (VCV001989234.2), dbSNP rs1357927044, ClinGen allele CA639407980.